The following is an entry in ClinVar:

ClinVar aggregate classification (germline): Likely benign. Review status: criteria provided, multiple submitters, no conflicts (2 of 4 stars). 3 submissions from 3 submitters: Likely benign (3). Last evaluated 2025-10-27.

Conditions:
RAX2-related disorder. Also called: RAX2-related disorders; RAX2-related condition.

Allele frequency attached by ClinVar (database versions not stated): gnomAD 0.00009; TOPMed 0.00013; 1000 Genomes Project 30x 0.00016.

Submissions (3):

Labcorp Genetics (formerly Invitae), Labcorp
Classification: Likely benign. Last evaluated: 2025-10-27. Review status: criteria provided, single submitter. Criteria: Invitae Variant Classification Sherloc (09022015). Collection method: clinical testing. Allele origin: germline.

PreventionGenetics, part of Exact Sciences
Classification: Likely benign for RAX2-related condition. Last evaluated: 2025-01-16. Review status: criteria provided, single submitter. Criteria: ACMG Guidelines, 2015. Collection method: clinical testing. Allele origin: germline.
Comment: This variant is classified as likely benign based on ACMG/AMP sequence variant interpretation guidelines (Richards et al. 2015 PMID: 25741868, with internal and published modifications).

Blueprint Genetics
Classification: Likely benign. Last evaluated: 2023-10-23. Review status: criteria provided, single submitter. Criteria: ACMG Guidelines, 2015. Collection method: clinical testing. Allele origin: germline.

NM_001319074.4(RAX2):c.378G>A (p.Pro126=)

Gene: RAX2 (retina and anterior neural fold homeobox 2; minus strand). Cytogenetic location: 19p13.3.
Variant type: single nucleotide variant.
Coding change: c.378G>A on transcript NM_001319074.4 (MANE Select); coding-DNA position 378, G replaced by A.
Protein change: p.Pro126=; no amino-acid change (proline 126 retained).
Molecular consequence: synonymous variant.
Genome position (GRCh38, 1-based): chr19:3,770,798, C>T on the plus strand (G>A on the coding strand, the complement: RAX2 is on the minus strand). VCF-style: chr19-3770798-C-T. GRCh37 (hg19) VCF-style: chr19-3770796-C-T.
Other names: c.378G>A, p.Pro126= (NM_032753.4); c.378G>A (NM_032753.3).
Identifiers: ClinVar variation 2048292 (VCV002048292.6), dbSNP rs929891283, ClinGen allele CA304416709.